The following is an entry in ClinVar:

ClinVar aggregate classification (germline): Uncertain significance. Review status: criteria provided, multiple submitters, no conflicts (2 of 4 stars). 2 submissions from 2 submitters: Uncertain significance (2). Last evaluated 2023-05-11.

Submissions (2):

Blueprint Genetics
Classification: Uncertain significance. Last evaluated: 2023-05-11. Review status: criteria provided, single submitter. Criteria: ACMG Guidelines, 2015. Collection method: clinical testing. Allele origin: germline.

Labcorp Genetics (formerly Invitae), Labcorp
Classification: Uncertain significance. Last evaluated: 2021-10-16. Review status: criteria provided, single submitter. Criteria: Invitae Variant Classification Sherloc (09022015). Collection method: clinical testing. Allele origin: germline.
Comment: This sequence change replaces glycine, which is neutral and non-polar, with aspartic acid, which is acidic and polar, at codon 49 of the ARSG protein (p.Gly49Asp). This variant is not present in population databases (gnomAD no frequency). This variant has not been reported in the literature in individuals affected with ARSG-related conditions. Algorithms developed to predict the effect of missense changes on protein structure and function are either unavailable or do not agree on the potential impact of this missense change (SIFT: "Tolerated"; PolyPhen-2: "Probably Damaging"; Align-GVGD: "Class C0"). In summary, the available evidence is currently insufficient to determine the role of this variant in disease. Therefore, it has been classified as a Variant of Uncertain Significance.

NM_001267727.2(ARSG):c.146G>A (p.Gly49Asp)

Gene: ARSG (arylsulfatase G; plus strand). Cytogenetic location: 17q24.2.
Variant type: single nucleotide variant.
Coding change: c.146G>A on transcript NM_001267727.2 (MANE Select); coding-DNA position 146, G replaced by A.
Protein change: p.Gly49Asp; replaces glycine 49 with aspartic acid.
Molecular consequence: missense variant.
Genome position (GRCh38, 1-based): chr17:68,307,639, G>A. VCF-style: chr17-68307639-G-A. GRCh37 (hg19) VCF-style: chr17-66303780-G-A.
Other names: c.146G>A, p.Gly49Asp (NM_001352899.2, NM_001352900.2, NM_001352901.2 and 9 more transcripts); short protein forms G49D.
Identifiers: ClinVar variation 1497486 (VCV001497486.7), dbSNP rs1689922062, ClinGen allele CA400746246.
Genomic context (GRCh38, chr17:68,307,639, plus strand): 5'-GGAAAACAAGAGGACAGAAGCCAAACTTTGTGATTATTTTGGCCGATGACATGGGGTGGG[G>A]TGACCTGGGAGCAAACTGGGCAGAAACAAAGGACACTGCCAACCTTGATAAGATGGCTTC-3'
Protein context (NP_001254656.1, residues 39-59): VIILADDMGW[Gly49Asp]DLGANWAETK